The following is an entry in ClinVar:

NM_144643.4(SCLT1):c.286G>C (p.Glu96Gln)

Gene: SCLT1 (sodium channel and clathrin linker 1; minus strand). Cytogenetic location: 4q28.2.
Variant type: single nucleotide variant.
Coding change: c.286G>C on transcript NM_144643.4 (MANE Select); coding-DNA position 286, G replaced by C.
Protein change: p.Glu96Gln; replaces glutamic acid 96 with glutamine.
Molecular consequence: missense variant.
Genome position (GRCh38, 1-based): chr4:129,039,045, C>G on the plus strand (G>C on the coding strand, the complement: SCLT1 is on the minus strand). VCF-style: chr4-129039045-C-G. GRCh37 (hg19) VCF-style: chr4-129960200-C-G.
Other names: c.286G>C, p.Glu96Gln (NM_001300898.2); c.286G>C (NM_144643.3); short protein forms E96Q.
Identifiers: ClinVar variation 1350095 (VCV001350095.6), dbSNP rs745457179, ClinGen allele CA3080017.
Genomic context (GRCh38, chr4:129,039,045, plus strand): 5'-AATAAAAGTTACCTAAGACAATAATAAAAGATAAAACCAATAGTTAATTGATTTACCTTT[C>G]ATTTTCCTTGATGACATTTTCAAGTTGTAATTTCATCTCACCCACCTGTTTCTGAAAGAA-3'
Protein context (NP_653244.2, residues 86-106): LQLENVIKEN[Glu96Gln]RLHSELKDAV

ClinVar aggregate classification (germline): Uncertain significance. Review status: criteria provided, multiple submitters, no conflicts (2 of 4 stars). 2 submissions from 2 submitters: Uncertain significance (2). Last evaluated 2026-06-16.

Conditions:
SCLT1-related disorder. Also called: SCLT1-related condition.

Allele frequency attached by ClinVar (database versions not stated): ExAC 0.00001; TOPMed 0.00007; gnomAD 0.00010 and 0.00011.
gnomAD v4.1: 26 of 1,547,510 alleles (0.0017%); highest among the groups gnomAD compares: African/African-American, 0.026%; no homozygotes.

Submissions (2):

PreventionGenetics, part of Exact Sciences
Classification: Uncertain significance for SCLT1-related condition. Last evaluated: 2026-06-16. Review status: criteria provided, single submitter. Criteria: ACMG Guidelines, 2015. Collection method: clinical testing. Allele origin: germline.
Comment: The SCLT1 c.286G>C variant is predicted to result in the amino acid substitution p.Glu96Gln. To our knowledge, this variant has not been reported in the literature. This variant is reported in 0.020% of alleles in individuals of African descent in gnomAD. At this time, the clinical significance of this variant is uncertain due to the absence of conclusive functional and genetic evidence.

Labcorp Genetics (formerly Invitae), Labcorp
Classification: Uncertain significance. Last evaluated: 2022-03-01. Review status: criteria provided, single submitter. Criteria: Invitae Variant Classification Sherloc (09022015). Collection method: clinical testing. Allele origin: germline.
Comment: This sequence change replaces glutamic acid, which is acidic and polar, with glutamine, which is neutral and polar, at codon 96 of the SCLT1 protein (p.Glu96Gln). This variant is present in population databases (rs745457179, gnomAD 0.02%). This variant has not been reported in the literature in individuals affected with SCLT1-related conditions. Algorithms developed to predict the effect of missense changes on protein structure and function are either unavailable or do not agree on the potential impact of this missense change (SIFT: "Deleterious"; PolyPhen-2: "Possibly Damaging"; Align-GVGD: "Class C0"). In summary, the available evidence is currently insufficient to determine the role of this variant in disease. Therefore, it has been classified as a Variant of Uncertain Significance.